The following is an entry in ClinVar:

NM_000051.4(ATM):c.8136del (p.Arg2713fs)

Genes: ATM (ATM serine/threonine kinase; plus strand), C11orf65 (chromosome 11 open reading frame 65; minus strand). Cytogenetic location: 11q22.3.
Variant type: Deletion.
Coding change: c.8136del on transcript NM_000051.4 (MANE Select); coding-DNA position 8136, one base deleted (G; older notation c.8136delG).
Protein change: p.Arg2713fs; shifts the reading frame from arginine 2713.
Molecular consequence: frameshift variant. On other transcripts: intron variant (2).
Genome position (GRCh38, 1-based): chr11:108,335,094, G deleted; the last of 2 consecutive G bases (chr11:108,335,093-108,335,094); deleting either gives the same sequence. VCF-style (leftmost placement, unchanged base first): chr11-108335092-AG-A. GRCh37 (hg19) VCF-style: chr11-108205819-AG-A.
Other names: c.8136del, p.Arg2713fs (NM_001351834.2); c.641-26022del (NM_001330368.2); c.*38+127del (NM_001351110.2); short protein forms R2713fs.
Identifiers: ClinVar variation 2837682 (VCV002837682.3), dbSNP rs2136664276, ClinGen allele CA2725247127.

ClinVar aggregate classification (germline): Pathogenic (1 of 4 stars; one submission).

Conditions:
Ataxia-telangiectasia syndrome (AT). Also called: LOUIS-BAR SYNDROME; Cerebello-oculocutaneous telangiectasia; Immunodeficiency with ataxia telangiectasia; Ataxia telangiectasia (A-T); Ataxia-telangiectasia, complementation group D; AT, COMPLEMENTATION GROUP C. Identifiers: Orphanet 100, MedGen C0004135, MONDO:0008840, OMIM 208900.

Submission:

Labcorp Genetics (formerly Invitae), Labcorp
Classification: Pathogenic for Ataxia-telangiectasia syndrome. Last evaluated: 2023-02-15. Review status: criteria provided, single submitter. Criteria: Invitae Variant Classification Sherloc (09022015). Collection method: clinical testing. Allele origin: germline.
Comment: This variant is not present in population databases (gnomAD no frequency). This sequence change creates a premature translational stop signal (p.Arg2713Aspfs*10) in the ATM gene. It is expected to result in an absent or disrupted protein product. Loss-of-function variants in ATM are known to be pathogenic (PMID: 23807571, 25614872). This variant has not been reported in the literature in individuals affected with ATM-related conditions. For these reasons, this variant has been classified as Pathogenic.

Literature cited by the submitters: PubMed 23807571; PubMed 25614872.